The following is an entry in ClinVar:

NM_001164508.2(NEB):c.6486A>G (p.Ile2162Met)

Gene: NEB (nebulin; minus strand). Cytogenetic location: 2q23.3.
Variant type: single nucleotide variant.
Coding change: c.6486A>G on transcript NM_001164508.2 (MANE Select); coding-DNA position 6486, A replaced by G.
Protein change: p.Ile2162Met; replaces isoleucine 2162 with methionine.
Molecular consequence: missense variant.
Genome position (GRCh38, 1-based): chr2:151,656,162, T>C on the plus strand (A>G on the coding strand, the complement: NEB is on the minus strand). VCF-style: chr2-151656162-T-C. GRCh37 (hg19) VCF-style: chr2-152512676-T-C.
Other names: c.6486A>G, p.Ile2162Met (NM_001164507.2, NM_001271208.2, NM_004543.5); short protein forms I2162M.
Identifiers: ClinVar variation 497739 (VCV000497739.16), dbSNP rs370994522, ClinGen allele CA1910092.
Genomic context (GRCh38, chr2:151,656,162, plus strand): 5'-CCCTTCCCATGCTAGGATTCCAACCATCACCCAAGTAGAAGAAAGCCTTACATCACTCTG[T>C]ATGCGATTCATATTCCTGGTCAGCTCAATGTTCATTGCATCTGGAAGGAGGATGTACTTG-3'
Protein context (NP_001157980.2, residues 2152-2172): NIELTRNMNR[Ile2162Met]QSDNEYKQDY

ClinVar aggregate classification (germline): Conflicting classifications of pathogenicity. Review status: criteria provided, conflicting classifications (1 of 4 stars). 5 submissions from 5 submitters: Uncertain significance (4); Benign (1). Last evaluated 2025-11-05.

Conditions:
Nemaline myopathy 2 (NEM2). Also called: Nemaline myopathy 2, autosomal recessive. Identifiers: MedGen C1850569, MONDO:0009725, OMIM 256030.

Allele frequency attached by ClinVar (database versions not stated): gnomAD exomes 0.00001 and 0.00003; ExAC 0.00004; ESP Exome Variant Server 0.00008; gnomAD 0.00016 and 0.00017; TOPMed 0.00017.
gnomAD v4.1: 43 of 1,591,306 alleles (0.0027%); highest among the groups gnomAD compares: African/African-American, 0.052%; no homozygotes.

Submissions (5):

Labcorp Genetics (formerly Invitae), Labcorp
Classification: Benign for Nemaline myopathy 2. Last evaluated: 2025-11-05. Review status: criteria provided, single submitter. Criteria: Invitae Variant Classification Sherloc (09022015). Collection method: clinical testing. Allele origin: germline.

Revvity Omics, Revvity
Classification: Uncertain significance. Last evaluated: 2024-01-18. Review status: criteria provided, single submitter. Criteria: ACMG Guidelines, 2015. Collection method: clinical testing. Allele origin: germline.

GeneDx
Classification: Uncertain significance. Last evaluated: 2019-07-08. Review status: criteria provided, single submitter. Criteria: GeneDx Variant Classification Process June 2021. Collection method: clinical testing. Allele origin: germline. Affected: yes.
Comment: In silico analysis, which includes protein predictors and evolutionary conservation, supports that this variant does not alter protein structure/function; Has not been previously published as pathogenic or benign to our knowledge

Eurofins Ntd Llc (ga)
Classification: Uncertain significance. Last evaluated: 2016-10-21. Review status: criteria provided, single submitter. Criteria: EGL Classification Definitions 2015. Collection method: clinical testing. Allele origin: germline. Observed: 1 variant allele, 1 heterozygote.

Breakthrough Genomics
Classification: Uncertain significance. Review status: criteria provided, single submitter. Criteria: ACMG Guidelines, 2015. Collection method: not provided. Allele origin: germline. Inheritance: Autosomal recessive inheritance. Affected: yes.